The following is an entry in ClinVar:

NM_001003800.2(BICD2):c.1730C>T (p.Ala577Val)

Gene: BICD2 (BICD cargo adaptor 2; minus strand). Cytogenetic location: 9q22.31.
Variant type: single nucleotide variant.
Coding change: c.1730C>T on transcript NM_001003800.2 (MANE Select); coding-DNA position 1730, C replaced by T.
Protein change: p.Ala577Val; replaces alanine 577 with valine.
Molecular consequence: missense variant.
Genome position (GRCh38, 1-based): chr9:92,718,915, G>A on the plus strand (C>T on the coding strand, the complement: BICD2 is on the minus strand). VCF-style: chr9-92718915-G-A. GRCh37 (hg19) VCF-style: chr9-95481197-G-A.
Other names: c.1730C>T, p.Ala577Val (NM_015250.4); short protein forms A577V.
Identifiers: ClinVar variation 2805620 (VCV002805620.3), dbSNP rs762486826, ClinGen allele CA5126496.

ClinVar aggregate classification (germline): Uncertain significance (1 of 4 stars; one submission).

Conditions:
Autosomal dominant childhood-onset proximal spinal muscular atrophy with contractures (SMALED2A). Also called: SPINAL MUSCULAR ATROPHY, LOWER EXTREMITY-PREDOMINANT, 2A, CHILDHOOD ONSET, AUTOSOMAL DOMINANT; Spinal muscular atrophy, lower extremity-predominant, 2A, autosomal dominant. Identifiers: Orphanet 363447, Orphanet 363454, MedGen C4747715, MONDO:0014121, OMIM 615290.

Allele frequency attached by ClinVar (database versions not stated): TOPMed below 0.00001; ExAC 0.00001; gnomAD exomes 0.00001.

Submission:

Labcorp Genetics (formerly Invitae), Labcorp
Classification: Uncertain significance for Autosomal dominant childhood-onset proximal spinal muscular atrophy with contractures. Last evaluated: 2024-11-27. Review status: criteria provided, single submitter. Criteria: Invitae Variant Classification Sherloc (09022015). Collection method: clinical testing. Allele origin: germline.
Comment: This sequence change replaces alanine, which is neutral and non-polar, with valine, which is neutral and non-polar, at codon 577 of the BICD2 protein (p.Ala577Val). This variant is present in population databases (rs762486826, gnomAD 0.003%). This variant has not been reported in the literature in individuals affected with BICD2-related conditions. ClinVar contains an entry for this variant (Variation ID: 2805620). Invitae Evidence Modeling of protein sequence and biophysical properties (such as structural, functional, and spatial information, amino acid conservation, physicochemical variation, residue mobility, and thermodynamic stability) indicates that this missense variant is not expected to disrupt BICD2 protein function with a negative predictive value of 80%. In summary, the available evidence is currently insufficient to determine the role of this variant in disease. Therefore, it has been classified as a Variant of Uncertain Significance.